The following is an entry in ClinVar:

NM_018417.6(ADCY10):c.2255T>C (p.Phe752Ser)

Gene: ADCY10 (adenylate cyclase 10; minus strand). Cytogenetic location: 1q24.2.
Variant type: single nucleotide variant.
Coding change: c.2255T>C on transcript NM_018417.6 (MANE Select); coding-DNA position 2255, T replaced by C.
Protein change: p.Phe752Ser; replaces phenylalanine 752 with serine.
Molecular consequence: missense variant.
Genome position (GRCh38, 1-based): chr1:167,854,406, A>G on the plus strand (T>C on the coding strand, the complement: ADCY10 is on the minus strand). VCF-style: chr1-167854406-A-G. GRCh37 (hg19) VCF-style: chr1-167823644-A-G.
Other names: c.1796T>C, p.Phe599Ser (NM_001167749.3); c.1979T>C, p.Phe660Ser (NM_001297772.2); short protein forms F660S, F599S, F752S.
Identifiers: ClinVar variation 2523737 (VCV002523737.5), dbSNP rs202177911, ClinGen allele CA1227695.

ClinVar aggregate classification (germline): Uncertain significance. Review status: criteria provided, multiple submitters, no conflicts (2 of 4 stars). 2 submissions from 2 submitters: Uncertain significance (2). Last evaluated 2025-09-10.

Allele frequency attached by ClinVar (database versions not stated): gnomAD exomes 0.00002; ExAC 0.00011; 1000 Genomes Project 0.00020; TOPMed 0.00003; 1000 Genomes Project 30x 0.00016; gnomAD 0.00004.

Submissions (2):

Labcorp Genetics (formerly Invitae), Labcorp
Classification: Uncertain significance. Last evaluated: 2025-09-10. Review status: criteria provided, single submitter. Criteria: Invitae Variant Classification Sherloc (09022015). Collection method: clinical testing. Allele origin: germline.
Comment: This sequence change replaces phenylalanine, which is neutral and non-polar, with serine, which is neutral and polar, at codon 752 of the ADCY10 protein (p.Phe752Ser). This variant is present in population databases (rs202177911, gnomAD 0.1%), and has an allele count higher than expected for a pathogenic variant. This variant has not been reported in the literature in individuals affected with ADCY10-related conditions. ClinVar contains an entry for this variant (Variation ID: 2523737). An algorithm developed to predict the effect of missense changes on protein structure and function (PolyPhen-2) suggests that this variant is likely to be disruptive. In summary, the available evidence is currently insufficient to determine the role of this variant in disease. Therefore, it has been classified as a Variant of Uncertain Significance.

Ambry Genetics
Classification: Uncertain significance. Last evaluated: 2023-04-05. Review status: criteria provided, single submitter. Criteria: Ambry Variant Classification Scheme 2023. Collection method: clinical testing. Allele origin: germline.